The following is an entry in ClinVar:

ClinVar aggregate classification (germline): Uncertain significance (0 of 4 stars; one submission).

Conditions:
RPGR-related disorder. Also called: RPGR-related condition.

Submission:

PreventionGenetics, part of Exact Sciences
Classification: Uncertain significance for RPGR-related condition. Last evaluated: 2024-08-29. Review status: no assertion criteria provided. Collection method: clinical testing. Allele origin: germline.
Comment: The RPGR c.2344G>A variant is predicted to result in the amino acid substitution p.Gly782Arg. To our knowledge, this variant has not been reported in the literature. This variant is reported in 0.015% of alleles in individuals of Latino descent in gnomAD, including one hemizygote. At this time, the clinical significance of this variant is uncertain due to the absence of conclusive functional and genetic evidence.

NM_001034853.2(RPGR):c.2344G>A (p.Gly782Arg)

Gene: RPGR (retinitis pigmentosa GTPase regulator; minus strand). Cytogenetic location: Xp11.4.
Variant type: single nucleotide variant.
Coding change: c.2344G>A on transcript NM_001034853.2 (MANE Select); coding-DNA position 2344, G replaced by A.
Protein change: p.Gly782Arg; replaces glycine 782 with arginine.
Molecular consequence: missense variant. On other transcripts: intron variant (8).
Genome position (GRCh38, 1-based): chrX:38,286,655, C>T on the plus strand (G>A on the coding strand, the complement: RPGR is on the minus strand). VCF-style: chrX-38286655-C-T. GRCh37 (hg19) VCF-style: chrX-38145908-C-T.
Other names: c.1569+4304G>A (NM_001367249.1, NM_001367250.1); c.1902+439G>A (NM_001367245.1); c.1386+4304G>A (NM_001367251.1); c.1719+439G>A (NM_001367246.1); c.1572+4304G>A (NM_001367247.1); c.1905+439G>A (NM_000328.3); c.1602+4304G>A (NM_001367248.1); short protein forms G782R.
Identifiers: ClinVar variation 3349052 (VCV003349052.1).